The following is an entry in ClinVar:

NM_020987.5(ANK3):c.3526C>T (p.Arg1176Ter)

Gene: ANK3 (ankyrin 3; minus strand). Cytogenetic location: 10q21.2.
Variant type: single nucleotide variant.
Coding change: c.3526C>T on transcript NM_020987.5 (MANE Select); coding-DNA position 3526, C replaced by T.
Protein change: p.Arg1176Ter; replaces arginine 1176 with a stop codon.
Molecular consequence: nonsense.
Genome position (GRCh38, 1-based): chr10:60,088,161, G>A on the plus strand (C>T on the coding strand, the complement: ANK3 is on the minus strand). VCF-style: chr10-60088161-G-A. GRCh37 (hg19) VCF-style: chr10-61847919-G-A.
Other names: c.928C>T, p.Arg310Ter (NM_001149.4); c.3508C>T, p.Arg1170Ter (NM_001204403.2); c.3529C>T, p.Arg1177Ter (NM_001204404.2); c.3526C>T, p.Arg1176Ter (NM_001320874.2); short protein forms R1170*, R1176*, R1177*, R310*.
Identifiers: ClinVar variation 4097617 (VCV004097617.1), dbSNP rs142673853.

ClinVar aggregate classification (germline): Pathogenic (1 of 4 stars; one submission).

Conditions:
Inborn genetic diseases. Identifiers: MedGen C0950123, MeSH D030342.

Submission:

Ambry Genetics
Classification: Pathogenic for Inborn genetic diseases. Last evaluated: 2025-07-03. Review status: criteria provided, single submitter. Criteria: Ambry Variant Classification Scheme 2023. Collection method: clinical testing. Allele origin: germline.
Comment: The c.3526C>T (p.R1176*) alteration, located in exon 29 (coding exon 29) of the ANK3 gene, consists of a C to T substitution at nucleotide position 3526. This changes the amino acid from a arginine (R) to a stop codon at amino acid position 1176. This alteration is expected to result in loss of function by premature protein truncation or nonsense-mediated mRNA decay. for autosomal dominant ANK3-related neurodevelopmental disorder; however, its clinical significance for autosomal recessive ANK3-related neurodevelopmental disorder is uncertain. This variant was not reported in population-based cohorts in the Genome Aggregation Database (gnomAD). Based on the available evidence, this alteration is classified as pathogenic.